The following is an entry in ClinVar:

NM_206926.2(SELENON):c.646-9C>T

Gene: SELENON (selenoprotein N; plus strand). Cytogenetic location: 1p36.11.
Variant type: single nucleotide variant.
Coding change: c.646-9C>T on transcript NM_206926.2 (MANE Select); 9 bases into the intron before coding-DNA position 646, C replaced by T.
Molecular consequence: intron variant.
Genome position (GRCh38, 1-based): chr1:25,809,017, C>T. VCF-style: chr1-25809017-C-T. GRCh37 (hg19) VCF-style: chr1-26135508-C-T.
Other names: c.748-9C>T (NM_020451.3).
Identifiers: ClinVar variation 385998 (VCV000385998.12), dbSNP rs752180175, ClinGen allele CA696633.
Genomic context (GRCh38, chr1:25,809,017, plus strand): 5'-ACCCCCACCCCAGCGGATCCAGGCCCAGCGGGACCCAGCAAGCCAGTACGTGCCTCCCGC[C>T]GCCCCCAGGTCATCATCCACCGGCTCCTGAGCATGTTCCACCCTCGGCCCTTTGTGAAGA-3'

ClinVar aggregate classification (germline): Likely benign. Review status: criteria provided, multiple submitters, no conflicts (2 of 4 stars). 2 submissions from 2 submitters: Likely benign (2). Last evaluated 2025-10-02.

Conditions:
Eichsfeld type congenital muscular dystrophy (CMYO3). Also called: Rigid spine muscular dystrophy 1; MYOPATHY, SEPN1-RELATED; SELENON-related myopathy; Congenital myopathy 3 with rigid spine. Identifiers: MedGen C0410180, MONDO:0100100, OMIM 602771.

Allele frequency attached by ClinVar (database versions not stated): ExAC 0.00001; gnomAD 0.00001; gnomAD exomes 0.00001 and 0.00002; TOPMed 0.00002.

Submissions (2):

Labcorp Genetics (formerly Invitae), Labcorp
Classification: Likely benign for Eichsfeld type congenital muscular dystrophy. Last evaluated: 2025-10-02. Review status: criteria provided, single submitter. Criteria: Invitae Variant Classification Sherloc (09022015). Collection method: clinical testing. Allele origin: germline.

GeneDx
Classification: Likely benign. Last evaluated: 2016-05-25. Review status: criteria provided, single submitter. Criteria: GeneDx Variant Classification (06012015). Collection method: clinical testing. Allele origin: germline. Affected: yes.
Comment: This variant is considered likely benign or benign based on one or more of the following criteria: it is a conservative change, it occurs at a poorly conserved position in the protein, it is predicted to be benign by multiple in silico algorithms, and/or has population frequency not consistent with disease.